The following is an entry in ClinVar:

NM_014946.4(SPAST):c.1166C>T (p.Thr389Ile)

Gene: SPAST (spastin; plus strand). Cytogenetic location: 2p22.3.
Variant type: single nucleotide variant.
Coding change: c.1166C>T on transcript NM_014946.4 (MANE Select); coding-DNA position 1166, C replaced by T.
Protein change: p.Thr389Ile; replaces threonine 389 with isoleucine.
Molecular consequence: missense variant.
Genome position (GRCh38, 1-based): chr2:32,127,015, C>T. VCF-style: chr2-32127015-C-T. GRCh37 (hg19) VCF-style: chr2-32352084-C-T.
Other names: c.1163C>T, p.Thr388Ile (NM_001363823.2); c.1067C>T, p.Thr356Ile (NM_001363875.2); c.1070C>T, p.Thr357Ile (NM_001377959.1, NM_199436.2); short protein forms T356I, T389I, T357I, T388I.
Identifiers: ClinVar variation 2767964 (VCV002767964.3), dbSNP rs2465861005, ClinGen allele CA346501335.

ClinVar aggregate classification (germline): Pathogenic (1 of 4 stars; one submission).

Conditions:
Hereditary spastic paraplegia 4. Also called: Spastic paraplegia 4, autosomal dominant; Familial spastic paraplegia autosomal dominant 2; Spastic Paraplegia 4. Identifiers: Orphanet 100985, MedGen C1866855, MONDO:0008438, OMIM 182601.

Submission:

Labcorp Genetics (formerly Invitae), Labcorp
Classification: Pathogenic for Hereditary spastic paraplegia 4. Last evaluated: 2025-03-17. Review status: criteria provided, single submitter. Criteria: Invitae Variant Classification Sherloc (09022015). Collection method: clinical testing. Allele origin: germline.
Comment: This sequence change replaces threonine, which is neutral and polar, with isoleucine, which is neutral and non-polar, at codon 389 of the SPAST protein (p.Thr389Ile). This variant is not present in population databases (gnomAD no frequency). This missense change has been observed in individual(s) with clinical features of hereditary spastic paraplegia (PMID: 37563452; internal data). In at least one individual the variant was observed to be de novo. ClinVar contains an entry for this variant (Variation ID: 2767964). Invitae Evidence Modeling of protein sequence and biophysical properties (such as structural, functional, and spatial information, amino acid conservation, physicochemical variation, residue mobility, and thermodynamic stability) indicates that this missense variant is expected to disrupt SPAST protein function with a positive predictive value of 80%. This variant disrupts the p.Thr389 amino acid residue in SPAST. Other variant(s) that disrupt this residue have been determined to be pathogenic (internal data). This suggests that this residue is clinically significant, and that variants that disrupt this residue are likely to be disease-causing. For these reasons, this variant has been classified as Pathogenic.

Literature cited by the submitters: PubMed 37563452.